The following is an entry in ClinVar:

ClinVar aggregate classification (germline): Uncertain significance (1 of 4 stars; one submission).

Conditions:
Developmental delay, behavioral abnormalities, and neuropsychiatric disorders (DEDBANP). Identifiers: MedGen C5774224, MONDO:0859292, OMIM 620065.

gnomAD v4.1: 4 of 1,594,150 alleles (0.00025%); highest among the groups gnomAD compares: African/African-American, 0.0054%; no homozygotes.

Submission:

Clinical Genetics Laboratory, University Hospital Schleswig-Holstein
Classification: Uncertain significance for Developmental delay, behavioral abnormalities, and neuropsychiatric disorders. Last evaluated: 2025-05-13. Review status: criteria provided, single submitter. Criteria: ACMG Guidelines, 2015. Collection method: clinical testing. Allele origin: germline. Affected: yes. Observed: 1 heterozygote.
Comment: ACMG criteria applied: PM2, PP3

NM_014921.5(ADGRL1):c.1441C>G (p.Arg481Gly)

Genes: ADGRL1 (adhesion G protein-coupled receptor L1; minus strand), ADGRL1-AS1 (ADGRL1 antisense RNA 1; plus strand). Cytogenetic location: 19p13.12.
Variant type: single nucleotide variant.
Coding change: c.1441C>G on transcript NM_014921.5 (MANE Select); coding-DNA position 1441, C replaced by G.
Protein change: p.Arg481Gly; replaces arginine 481 with glycine.
Molecular consequence: missense variant.
Genome position (GRCh38, 1-based): chr19:14,161,381, G>C on the plus strand (C>G on the coding strand, the complement: ADGRL1 is on the minus strand). VCF-style: chr19-14161381-G-C. GRCh37 (hg19) VCF-style: chr19-14272193-G-C.
Other names: c.1456C>G, p.Arg486Gly (NM_001008701.3); short protein forms R481G, R486G.
Identifiers: ClinVar variation 5042045 (VCV005042045.1).